The following is an entry in ClinVar:

ClinVar aggregate classification (germline): Uncertain significance. Review status: criteria provided, multiple submitters, no conflicts (2 of 4 stars). 3 submissions from 3 submitters: Uncertain significance (3). Last evaluated 2025-02-16.

Conditions:
Wiedemann-Steiner syndrome (WDSTS). Also called: Growth deficiency and mental retardation with facial dysmorphism. Identifiers: Orphanet 319182, MedGen C1854630, MONDO:0011518, OMIM 605130.

Allele frequency attached by ClinVar (database versions not stated): gnomAD exomes below 0.00001.
gnomAD v4.1: 2 of 1,613,984 alleles (0.00012%); highest among the groups gnomAD compares: Non-Finnish European, 0.00017%; no homozygotes.

Submissions (3):

Laboratory of Genetics, Children's Clinical University Hospital Latvia
Classification: Uncertain significance. Last evaluated: 2025-02-16. Review status: criteria provided, single submitter. Criteria: ACMG Guidelines, 2015. Collection method: clinical testing. Allele origin: germline. Affected: yes.

Illumina Laboratory Services, Illumina
Classification: Uncertain significance for Wiedemann-Steiner syndrome. Last evaluated: 2024-04-19. Review status: criteria provided, single submitter. Criteria: ISL SNV Classification Criteria 03 February 2026. Collection method: clinical testing. Allele origin: unknown.
Comment: The KMT2A c.11620C>T p.(Arg3874Trp) missense variant has not, to our knowledge, been reported in the peer-reviewed literature. This variant is not observed at a significant frequency in version 2.1.1 or version 4.0.0 of the Genome Aggregation Database. This variant is located in a known functional domain (PMID: 38449437). Multiple lines of computational evidence suggest the variant may impact the gene or gene product. Based on the available evidence, the c.11620C>T p.(Arg3874Trp) variant is classified as a variant of uncertain significance for Wiedemann-Steiner syndrome.

Labcorp Genetics (formerly Invitae), Labcorp
Classification: Uncertain significance. Last evaluated: 2023-10-29. Review status: criteria provided, single submitter. Criteria: Invitae Variant Classification Sherloc (09022015). Collection method: clinical testing. Allele origin: germline.
Comment: This sequence change replaces arginine, which is basic and polar, with tryptophan, which is neutral and slightly polar, at codon 3874 of the KMT2A protein (p.Arg3874Trp). This variant is not present in population databases (gnomAD no frequency). This variant has not been reported in the literature in individuals affected with KMT2A-related conditions. Advanced modeling of protein sequence and biophysical properties (such as structural, functional, and spatial information, amino acid conservation, physicochemical variation, residue mobility, and thermodynamic stability) has been performed at Invitae for this missense variant, however the output from this modeling did not meet the statistical confidence thresholds required to predict the impact of this variant on KMT2A protein function. In summary, the available evidence is currently insufficient to determine the role of this variant in disease. Therefore, it has been classified as a Variant of Uncertain Significance.

Literature cited by the submitters: PubMed 38449437 (cited by Illumina Laboratory Services, Illumina).

NM_001197104.2(KMT2A):c.11620C>T (p.Arg3874Trp)

Genes: KMT2A (lysine methyltransferase 2A; plus strand), TTC36-AS1 (TTC36 and KMT2A antisense RNA 1; minus strand). Cytogenetic location: 11q23.3.
Variant type: single nucleotide variant.
Coding change: c.11620C>T on transcript NM_001197104.2 (MANE Select); coding-DNA position 11620, C replaced by T.
Protein change: p.Arg3874Trp; replaces arginine 3874 with tryptophan.
Molecular consequence: missense variant.
Genome position (GRCh38, 1-based): chr11:118,521,394, C>T. VCF-style: chr11-118521394-C-T. GRCh37 (hg19) VCF-style: chr11-118392109-C-T.
Other names: c.11710C>T, p.Arg3904Trp (NM_001412597.1); c.11611C>T, p.Arg3871Trp (NM_005933.4); short protein forms R3871W, R3874W, R3904W.
Identifiers: ClinVar variation 2855612 (VCV002855612.5), dbSNP rs2135294730, ClinGen allele CA382835806.